The following is an entry in ClinVar:

ClinVar aggregate classification (germline): Uncertain significance (1 of 4 stars; one submission).

Conditions:
Glycogen storage disease IXa1. Also called: LIVER GLYCOGENOSIS, X-LINKED, TYPE I; GLYCOGEN STORAGE DISEASE VIII; GSD VIII; Glycogen storage disease 8. Identifiers: Orphanet 264580, MedGen C3694531, MONDO:0010598, OMIM 306000.

gnomAD v4.1: 1 of 1,209,741 alleles (0.000083%); no homozygotes.

Submission:

Labcorp Genetics (formerly Invitae), Labcorp
Classification: Uncertain significance for Glycogen storage disease IXa1. Last evaluated: 2025-07-14. Review status: criteria provided, single submitter. Criteria: Invitae Variant Classification Sherloc (09022015). Collection method: clinical testing. Allele origin: germline.
Comment: This sequence change replaces phenylalanine, which is neutral and non-polar, with leucine, which is neutral and non-polar, at codon 218 of the PHKA2 protein (p.Phe218Leu). This variant is not present in population databases (gnomAD no frequency). This variant has not been reported in the literature in individuals affected with PHKA2-related conditions. Invitae Evidence Modeling of protein sequence and biophysical properties (such as structural, functional, and spatial information, amino acid conservation, physicochemical variation, residue mobility, and thermodynamic stability) indicates that this missense variant is expected to disrupt PHKA2 protein function with a positive predictive value of 80%. In summary, the available evidence is currently insufficient to determine the role of this variant in disease. Therefore, it has been classified as a Variant of Uncertain Significance.

NM_000292.3(PHKA2):c.654T>G (p.Phe218Leu)

Gene: PHKA2 (phosphorylase kinase regulatory subunit alpha 2; minus strand). Cytogenetic location: Xp22.13.
Variant type: single nucleotide variant.
Coding change: c.654T>G on transcript NM_000292.3 (MANE Select); coding-DNA position 654, T replaced by G.
Protein change: p.Phe218Leu; replaces phenylalanine 218 with leucine.
Molecular consequence: missense variant. On other transcripts: intron variant (3).
Genome position (GRCh38, 1-based): chrX:18,943,773, A>C on the plus strand (T>G on the coding strand, the complement: PHKA2 is on the minus strand). VCF-style: chrX-18943773-A-C. GRCh37 (hg19) VCF-style: chrX-18961891-A-C.
Other names: c.654T>G, p.Phe218Leu (NM_001440800.1, NM_001440801.1, NM_001440805.1); c.618+1305T>G (NM_001440804.1, NM_001440803.1, NM_001440802.1); short protein forms F218L.
Identifiers: ClinVar variation 4745380 (VCV004745380.1).
Genomic context (GRCh38, chrX:18,943,773, plus strand): 5'-GCAGTGCTCGACCTCATCTGGCAGAACATGAATCACTGACTTGCGTCCTCCATGGGCTCC[A>C]AAAAGGTCCAGTTCATCAATTGCCTCAAGAGCTGCCTACAAACACAGGTATGAGTTACTT-3'
Protein context (NP_000283.1, residues 208-228): ALEAIDELDL[Phe218Leu]GAHGGRKSVI